The following is an entry in ClinVar:

NM_005629.4(SLC6A8):c.1127A>G (p.Lys376Arg)

Gene: SLC6A8 (solute carrier family 6 member 8; plus strand). Cytogenetic location: Xq28.
Variant type: single nucleotide variant.
Coding change: c.1127A>G on transcript NM_005629.4 (MANE Select); coding-DNA position 1127, A replaced by G.
Protein change: p.Lys376Arg; replaces lysine 376 with arginine.
Molecular consequence: missense variant.
Genome position (GRCh38, 1-based): chrX:153,693,572, A>G. VCF-style: chrX-153693572-A-G. GRCh37 (hg19) VCF-style: chrX-152959027-A-G.
Other names: c.1097A>G, p.Lys366Arg (NM_001142805.2); c.782A>G, p.Lys261Arg (NM_001142806.1); short protein forms K261R, K366R, K376R.
Identifiers: ClinVar variation 844938 (VCV000844938.10), dbSNP rs1557045159, ClinGen allele CA415085865.

ClinVar aggregate classification (germline): Conflicting classifications of pathogenicity. Review status: criteria provided, conflicting classifications (1 of 4 stars). 2 submissions from 2 submitters: Uncertain significance (1); Likely benign (1). Last evaluated 2026-04-24.

Conditions:
Creatine transporter deficiency (CCDS1). Also called: Mental retardation , X-linked with seizures, short stature and midface hypoplasia; Mental retardation , X-linked, with creatine transport deficiency; X-linked creatine transporter deficiency; X-linked creatine deficiency syndrome; SLC6A8-Related Creatine Transporter Deficiency; Creatine Transporter (CRTR) Deficiency. Identifiers: Orphanet 52503, MedGen C1845862, MONDO:0010305, OMIM 300352.

Allele frequency attached by ClinVar (database versions not stated): gnomAD exomes 0.00001; TOPMed below 0.00001.

Submissions (2):

GeneDx
Classification: Uncertain significance. Last evaluated: 2026-04-24. Review status: criteria provided, single submitter. Criteria: GeneDx Variant Classification Process June 2021. Collection method: clinical testing. Allele origin: germline.
Comment: Not observed at significant frequency in large population cohorts (gnomAD); In silico analysis suggests that this missense variant does not alter protein structure/function; Has not been previously published as pathogenic or benign to our knowledge

Labcorp Genetics (formerly Invitae), Labcorp
Classification: Likely benign for Creatine transporter deficiency. Last evaluated: 2022-11-29. Review status: criteria provided, single submitter. Criteria: Invitae Variant Classification Sherloc (09022015). Collection method: clinical testing. Allele origin: germline.